The following is an entry in ClinVar:

ClinVar aggregate classification (germline): Uncertain significance. Review status: criteria provided, multiple submitters, no conflicts (2 of 4 stars). 3 submissions from 3 submitters: Uncertain significance (2). 1 of the submissions does not count toward it. Last evaluated 2024-08-21.

Conditions:
Bloom syndrome (BLM). Also called: Bloom-Torre-Machacek syndrome. Identifiers: Orphanet 125, MedGen C0005859, MONDO:0008876, OMIM 210900.
Hereditary cancer-predisposing syndrome. Also called: Neoplastic Syndromes, Hereditary; Hereditary Cancer Syndrome; Tumor predisposition; Hereditary neoplastic syndrome. Identifiers: Orphanet 140162, MedGen C0027672, MeSH D009386, MONDO:0015356.

Submissions (3):

Ambry Genetics
Classification: Uncertain significance for Hereditary cancer-predisposing syndrome. Last evaluated: 2024-08-21. Review status: criteria provided, single submitter. Criteria: Ambry Variant Classification Scheme 2023. Collection method: clinical testing. Allele origin: germline.
Comment: The p.S630T variant (also known as c.1888T>A), located in coding exon 7 of the BLM gene, results from a T to A substitution at nucleotide position 1888. The serine at codon 630 is replaced by threonine, an amino acid with similar properties. This amino acid position is conserved. In addition, this alteration is predicted to be tolerated by in silico analysis. Since supporting evidence is limited at this time, the clinical significance of this alteration remains unclear.

Labcorp Genetics (formerly Invitae), Labcorp
Classification: Uncertain significance for Bloom syndrome. Last evaluated: 2024-05-08. Review status: criteria provided, single submitter. Criteria: Invitae Variant Classification Sherloc (09022015). Collection method: clinical testing. Allele origin: germline.
Comment: This sequence change replaces serine, which is neutral and polar, with threonine, which is neutral and polar, at codon 630 of the BLM protein (p.Ser630Thr). This variant is not present in population databases (gnomAD no frequency). This variant has not been reported in the literature in individuals affected with BLM-related conditions. ClinVar contains an entry for this variant (Variation ID: 855379). Advanced modeling of protein sequence and biophysical properties (such as structural, functional, and spatial information, amino acid conservation, physicochemical variation, residue mobility, and thermodynamic stability) performed at Invitae indicates that this missense variant is not expected to disrupt BLM protein function with a negative predictive value of 80%. In summary, the available evidence is currently insufficient to determine the role of this variant in disease. Therefore, it has been classified as a Variant of Uncertain Significance.

Natera, Inc.
Classification: Uncertain significance for Bloom syndrome. Last evaluated: 2021-02-22. Review status: no assertion criteria provided. Collection method: clinical testing. Allele origin: germline. Not counted in ClinVar's aggregate classification.

NM_000057.4(BLM):c.1888T>A (p.Ser630Thr)

Gene: BLM (BLM RecQ like helicase; plus strand). Cytogenetic location: 15q26.1.
Variant type: single nucleotide variant.
Coding change: c.1888T>A on transcript NM_000057.4 (MANE Select); coding-DNA position 1888, T replaced by A.
Protein change: p.Ser630Thr; replaces serine 630 with threonine.
Molecular consequence: missense variant.
Genome position (GRCh38, 1-based): chr15:90,762,971, T>A. VCF-style: chr15-90762971-T-A. GRCh37 (hg19) VCF-style: chr15-91306201-T-A.
Other names: c.1888T>A, p.Ser630Thr (NM_001287246.2, NM_001287247.2); c.763T>A, p.Ser255Thr (NM_001287248.2); c.1888T>A (NM_000057.2); short protein forms S630T, S255T.
Identifiers: ClinVar variation 855379 (VCV000855379.14), dbSNP rs1567042153, ClinGen allele CA393844072.
Genomic context (GRCh38, chr15:90,762,971, plus strand): 5'-TGTACTTTCACTGTATTCATGTACTGATTTTTCTTAACGTTGATTATTTTCCTAGACAAG[T>A]CAGCACAAAATTTAGCATCCAGAAATCTGAAACATGAGCGTTTCCAAAGTCTTAGTTTTC-3'
Protein context (NP_000048.1, residues 620-640): SESIQNYTDK[Ser630Thr]AQNLASRNLK